The following is an entry in ClinVar:

ClinVar aggregate classification (germline): Likely benign (0 of 4 stars; one submission).

Conditions:
EPPK1-related disorder. Also called: EPPK1-related condition.

Allele frequency attached by ClinVar (database versions not stated): gnomAD 0.00011; 1000 Genomes Project 30x 0.00016; 1000 Genomes Project 0.00020; TOPMed 0.00020; ExAC 0.00033.
gnomAD v4.1: 116 of 1,613,226 alleles (0.0072%); highest among the groups gnomAD compares: East Asian, 0.21%; no homozygotes.

Submission:

PreventionGenetics, part of Exact Sciences
Classification: Likely benign for EPPK1-related condition. Last evaluated: 2021-05-06. Review status: no assertion criteria provided. Collection method: clinical testing. Allele origin: germline.
Comment: This variant is classified as likely benign based on ACMG/AMP sequence variant interpretation guidelines (Richards et al. 2015 PMID: 25741868, with internal and published modifications).

NM_031308.4(EPPK1):c.2133C>T (p.Ile711=)

Gene: EPPK1 (epiplakin 1; minus strand). Cytogenetic location: 8q24.3.
Variant type: single nucleotide variant.
Coding change: c.2133C>T on transcript NM_031308.4 (MANE Select); coding-DNA position 2133, C replaced by T.
Protein change: p.Ile711=; no amino-acid change (isoleucine 711 retained).
Molecular consequence: synonymous variant.
Genome position (GRCh38, 1-based): chr8:143,871,121, G>A on the plus strand (C>T on the coding strand, the complement: EPPK1 is on the minus strand). VCF-style: chr8-143871121-G-A. GRCh37 (hg19) VCF-style: chr8-144945289-G-A.
Identifiers: ClinVar variation 3036970 (VCV003036970.2), dbSNP rs563965707, ClinGen allele CA4923165.